The following is an entry in ClinVar:

ClinVar aggregate classification (germline): Uncertain significance. Review status: criteria provided, multiple submitters, no conflicts (2 of 4 stars). 2 submissions from 2 submitters: Uncertain significance (2). Last evaluated 2025-08-27.

Conditions:
Inborn genetic diseases. Identifiers: MedGen C0950123, MeSH D030342.

Submissions (2):

Ambry Genetics
Classification: Uncertain significance for Inborn genetic diseases. Last evaluated: 2025-08-27. Review status: criteria provided, single submitter. Criteria: Ambry Variant Classification Scheme 2023. Collection method: clinical testing. Allele origin: germline.

GeneDx
Classification: Uncertain significance. Last evaluated: 2024-05-30. Review status: criteria provided, single submitter. Criteria: GeneDx Variant Classification Process June 2021. Collection method: clinical testing. Allele origin: germline. Affected: yes.
Comment: Not observed at significant frequency in large population cohorts (gnomAD); In silico analysis supports that this missense variant has a deleterious effect on protein structure/function; Has not been previously published as pathogenic or benign to our knowledge

NM_001318852.2(MAPK8IP3):c.3198C>G (p.Asn1066Lys)

Gene: MAPK8IP3 (mitogen-activated protein kinase 8 interacting protein 3; plus strand). Cytogenetic location: 16p13.3.
Variant type: single nucleotide variant.
Coding change: c.3198C>G on transcript NM_001318852.2 (MANE Select); coding-DNA position 3198, C replaced by G.
Protein change: p.Asn1066Lys; replaces asparagine 1066 with lysine.
Molecular consequence: missense variant.
Genome position (GRCh38, 1-based): chr16:1,767,258, C>G. VCF-style: chr16-1767258-C-G. GRCh37 (hg19) VCF-style: chr16-1817259-C-G.
Other names: c.3195C>G (NM_015133.3); c.3177C>G, p.Asn1059Lys (NM_001040439.2); c.3195C>G, p.Asn1065Lys (NM_015133.5); short protein forms N1059K, N1065K, N1066K.
Identifiers: ClinVar variation 3383866 (VCV003383866.2).